The following is an entry in ClinVar:

NM_015450.3(POT1):c.40C>G (p.Leu14Val)

Gene: POT1 (protection of telomeres 1; minus strand). Cytogenetic location: 7q31.33.
Variant type: single nucleotide variant.
Coding change: c.40C>G on transcript NM_015450.3 (MANE Select); coding-DNA position 40, C replaced by G.
Protein change: p.Leu14Val; replaces leucine 14 with valine.
Molecular consequence: missense variant. On other transcripts: 5 prime UTR variant (1), non-coding transcript variant (3).
Genome position (GRCh38, 1-based): chr7:124,892,350, G>C on the plus strand (C>G on the coding strand, the complement: POT1 is on the minus strand). VCF-style: chr7-124892350-G-C. GRCh37 (hg19) VCF-style: chr7-124532404-G-C.
Other names: c.-223C>G (NM_001042594.2); short protein forms L14V.
Identifiers: ClinVar variation 3936296 (VCV003936296.1).

ClinVar aggregate classification (germline): Uncertain significance (1 of 4 stars; one submission).

Conditions:
Hereditary cancer-predisposing syndrome. Also called: Tumor predisposition; Hereditary neoplastic syndrome; Hereditary Cancer Syndrome; Neoplastic Syndromes, Hereditary. Identifiers: Orphanet 140162, MedGen C0027672, MeSH D009386, MONDO:0015356.

Submission:

Ambry Genetics
Classification: Uncertain significance for Hereditary cancer-predisposing syndrome. Last evaluated: 2025-05-10. Review status: criteria provided, single submitter. Criteria: Ambry Variant Classification Scheme 2023. Collection method: clinical testing. Allele origin: germline.
Comment: The p.L14V variant (also known as c.40C>G), located in coding exon 2 of the POT1 gene, results from a C to G substitution at nucleotide position 40. The leucine at codon 14 is replaced by valine, an amino acid with highly similar properties. This amino acid position is conserved. In addition, this alteration is predicted to be tolerated by in silico analysis. Based on the available evidence, the clinical significance of this variant remains unclear.